The following is an entry in ClinVar:

ClinVar aggregate classification (germline): Pathogenic (1 of 4 stars; one submission).

Conditions:
Juvenile polyposis syndrome (JPS). Identifiers: Orphanet 2929, MedGen C0345893, MONDO:0017380, OMIM 174900.

Submission:

Labcorp Genetics (formerly Invitae), Labcorp
Classification: Pathogenic for Juvenile polyposis syndrome. Last evaluated: 2018-11-27. Review status: criteria provided, single submitter. Criteria: Invitae Variant Classification Sherloc (09022015). Collection method: clinical testing. Allele origin: germline.
Comment: For these reasons, this variant has been classified as Pathogenic. Loss-of-function variants in BMPR1A are known to be pathogenic (PMID: 11536076, 12417513). This variant has not been reported in the literature in individuals with BMPR1A-related disease. ClinVar contains an entry for this variant (Variation ID: 566699). This variant is not present in population databases (ExAC no frequency). This sequence change creates a premature translational stop signal (p.Met283Asnfs*4) in the BMPR1A gene. It is expected to result in an absent or disrupted protein product.

Literature cited by the submitters: PubMed 11536076; PubMed 12417513.

NM_004329.3(BMPR1A):c.847dup (p.Met283fs)

Gene: BMPR1A (bone morphogenetic protein receptor type 1A; plus strand). Cytogenetic location: 10q23.2.
Variant type: Duplication.
Coding change: c.847dup on transcript NM_004329.3 (MANE Select); coding-DNA position 847, one base duplicated (A; older notation c.847dupA).
Protein change: p.Met283fs; shifts the reading frame from methionine 283.
Molecular consequence: frameshift variant.
Genome position (GRCh38, 1-based): chr10:86,917,305, A duplicated; the last of 2 consecutive A bases (chr10:86,917,304-86,917,305); duplicating either gives the same sequence. VCF-style (leftmost placement, unchanged base first): chr10-86917303-T-TA. GRCh37 (hg19) VCF-style: chr10-88677060-T-TA.
Other names: c.847dupA (NM_004329.2); short protein forms M283fs.
Identifiers: ClinVar variation 566699 (VCV000566699.9), dbSNP rs1564723486, ClinGen allele CA891843414.